The following is an entry in ClinVar:

NM_000093.5(COL5A1):c.1428C>G (p.Pro476=)

Gene: COL5A1 (collagen type V alpha 1 chain; plus strand). Cytogenetic location: 9q34.3.
Variant type: single nucleotide variant.
Coding change: c.1428C>G on transcript NM_000093.5 (MANE Select); coding-DNA position 1428, C replaced by G.
Protein change: p.Pro476=; no amino-acid change (proline 476 retained).
Molecular consequence: synonymous variant.
Genome position (GRCh38, 1-based): chr9:134,738,512, C>G. VCF-style: chr9-134738512-C-G. GRCh37 (hg19) VCF-style: chr9-137630358-C-G.
Other names: c.1428C>G, p.Pro476= (NM_001278074.1).
Identifiers: ClinVar variation 748852 (VCV000748852.6), dbSNP rs745633063, ClinGen allele CA5318786.

ClinVar aggregate classification (germline): Likely benign. Review status: criteria provided, multiple submitters, no conflicts (2 of 4 stars). 3 submissions from 3 submitters: Likely benign (3). Last evaluated 2026-05-05.

Conditions:
COL5A1-related disorder. Also called: COL5A1-related condition.
Familial thoracic aortic aneurysm and aortic dissection (TAAD). Also called: Thoracic aortic aneurysms and dissections. Identifiers: Orphanet 91387, MedGen C4707243, MONDO:0019625.

gnomAD v4.1: 1 of 1,613,878 alleles (0.000062%); highest among the groups gnomAD compares: African/African-American, 0.0013%; no homozygotes.

Submissions (3):

PreventionGenetics, part of Exact Sciences
Classification: Likely benign for COL5A1-related condition. Last evaluated: 2026-05-05. Review status: criteria provided, single submitter. Criteria: ACMG Guidelines, 2015. Collection method: clinical testing. Allele origin: germline.
Comment: This variant is classified as likely benign based on ACMG/AMP sequence variant interpretation guidelines (Richards et al. 2015 PMID: 25741868, with internal and published modifications).

Ambry Genetics
Classification: Likely benign for Familial thoracic aortic aneurysm and aortic dissection. Last evaluated: 2020-01-17. Review status: criteria provided, single submitter. Criteria: Ambry Variant Classification Scheme 2023. Collection method: clinical testing. Allele origin: germline.

Labcorp Genetics (formerly Invitae), Labcorp
Classification: Likely benign. Last evaluated: 2018-06-05. Review status: criteria provided, single submitter. Criteria: Invitae Variant Classification Sherloc (09022015). Collection method: clinical testing. Allele origin: germline.